The following is an entry in ClinVar:

ClinVar aggregate classification (germline): Uncertain significance (1 of 4 stars; one submission).

Submission:

Women's Health and Genetics/Laboratory Corporation of America, LabCorp
Classification: Uncertain significance. Last evaluated: 2025-05-07. Review status: criteria provided, single submitter. Criteria: LabCorp Variant Classification Summary - May 2015. Collection method: clinical testing. Allele origin: germline.
Comment: Variant summary: GRIN2B c.2984G>A (p.Gly995Asp) results in a non-conservative amino acid change in the encoded protein sequence. Algorithms developed to predict the effect of missense changes on protein structure and function are either unavailable or do not agree on the potential impact of this missense change. The variant was absent in 251490 control chromosomes. The available data on variant occurrences in the general population are insufficient to allow any conclusion about variant significance. To our knowledge, no occurrence of c.2984G>A in individuals affected with Mental Retardation, Autosomal Dominant 6 and no experimental evidence demonstrating its impact on protein function have been reported. No submitters have cited clinical-significance assessments for this variant to ClinVar. Based on the evidence outlined above, the variant was classified as uncertain significance.

NM_000834.5(GRIN2B):c.2984G>A (p.Gly995Asp)

Gene: GRIN2B (glutamate ionotropic receptor NMDA type subunit 2B; minus strand). Cytogenetic location: 12p13.1.
Variant type: single nucleotide variant.
Coding change: c.2984G>A on transcript NM_000834.5 (MANE Select); coding-DNA position 2984, G replaced by A.
Protein change: p.Gly995Asp; replaces glycine 995 with aspartic acid.
Molecular consequence: missense variant.
Genome position (GRCh38, 1-based): chr12:13,564,254, C>T on the plus strand (G>A on the coding strand, the complement: GRIN2B is on the minus strand). VCF-style: chr12-13564254-C-T. GRCh37 (hg19) VCF-style: chr12-13717188-C-T.
Other names: c.2984G>A, p.Gly995Asp (NM_001413992.1); short protein forms G995D.
Identifiers: ClinVar variation 3902448 (VCV003902448.1).